The following is an entry in ClinVar:

NM_020198.3(CCDC47):c.-10T>A

Gene: CCDC47 (coiled-coil domain containing 47; minus strand). Cytogenetic location: 17q23.3.
Variant type: single nucleotide variant.
Coding change: c.-10T>A on transcript NM_020198.3 (MANE Select); 10 bases upstream of the start codon, T replaced by A.
Molecular consequence: 5 prime UTR variant.
Genome position (GRCh38, 1-based): chr17:63,766,185, A>T on the plus strand (T>A on the coding strand, the complement: CCDC47 is on the minus strand). VCF-style: chr17-63766185-A-T. GRCh37 (hg19) VCF-style: chr17-61843545-A-T.
Identifiers: ClinVar variation 3044786 (VCV003044786.2), dbSNP rs111830704, ClinGen allele CA8704018.

ClinVar aggregate classification (germline): Benign (0 of 4 stars; one submission).

Conditions:
CCDC47-related disorder. Also called: CCDC47-related condition.

Allele frequency attached by ClinVar (database versions not stated): gnomAD exomes 0.00198; ExAC 0.00575; gnomAD 0.01659; ESP Exome Variant Server 0.01753; 1000 Genomes Project 0.01797; 1000 Genomes Project 30x 0.01889; TOPMed 0.01916.
gnomAD v4.1: 5,581 of 1,592,270 alleles (0.35%); highest among the groups gnomAD compares: African/African-American, 5.8%; 149 homozygotes.

Submission:

PreventionGenetics, part of Exact Sciences
Classification: Benign for CCDC47-related condition. Last evaluated: 2019-02-20. Review status: no assertion criteria provided. Collection method: clinical testing. Allele origin: germline.
Comment: This variant is classified as benign based on ACMG/AMP sequence variant interpretation guidelines (Richards et al. 2015 PMID: 25741868, with internal and published modifications).